The following is an entry in ClinVar:

NM_133259.4(LRPPRC):c.1966-12del

Gene: LRPPRC (leucine rich pentatricopeptide repeat containing; minus strand). Cytogenetic location: 2p21.
Variant type: Deletion.
Coding change: c.1966-12del on transcript NM_133259.4 (MANE Select); 12 bases into the intron before coding-DNA position 1966, one base deleted (T; older notation c.1966-12delT).
Molecular consequence: intron variant.
Genome position (GRCh38, 1-based): chr2:43,947,382, A deleted on the plus strand (T on the coding strand, the reverse complement: LRPPRC is on the minus strand); the first of 6 consecutive A bases (chr2:43,947,382-43,947,387); deleting any one gives the same sequence. VCF-style (leftmost placement, unchanged base first): chr2-43947381-GA-G. GRCh37 (hg19) VCF-style: chr2-44174520-GA-G.
Other names: c.1966-12delT (NM_133259.3).
Identifiers: ClinVar variation 422013 (VCV000422013.4), dbSNP rs763457460, ClinGen allele CA1638630.

ClinVar aggregate classification (germline): Benign/Likely benign. Review status: criteria provided, multiple submitters, no conflicts (2 of 4 stars). 2 submissions from 2 submitters: Benign (1); Likely benign (1). Last evaluated 2026-01-05.

Submissions (2):

Labcorp Genetics (formerly Invitae), Labcorp
Classification: Benign. Last evaluated: 2026-01-05. Review status: criteria provided, single submitter. Criteria: Invitae Variant Classification Sherloc (09022015). Collection method: clinical testing. Allele origin: germline.

GeneDx
Classification: Likely benign. Last evaluated: 2016-08-18. Review status: criteria provided, single submitter. Criteria: GeneDx Variant Classification (06012015). Collection method: clinical testing. Allele origin: germline. Affected: yes.
Comment: This variant is considered likely benign or benign based on one or more of the following criteria: it is a conservative change, it occurs at a poorly conserved position in the protein, it is predicted to be benign by multiple in silico algorithms, and/or has population frequency not consistent with disease.